The following is an entry in ClinVar:

NM_001429.4(EP300):c.7191C>T (p.Thr2397=)

Gene: EP300 (EP300 lysine acetyltransferase; plus strand). Cytogenetic location: 22q13.2.
Variant type: single nucleotide variant.
Coding change: c.7191C>T on transcript NM_001429.4 (MANE Select); coding-DNA position 7191, C replaced by T.
Protein change: p.Thr2397=; no amino-acid change (threonine 2397 retained).
Molecular consequence: synonymous variant.
Genome position (GRCh38, 1-based): chr22:41,178,902, C>T. VCF-style: chr22-41178902-C-T. GRCh37 (hg19) VCF-style: chr22-41574906-C-T.
Other names: c.7113C>T, p.Thr2371= (NM_001362843.2).
Identifiers: ClinVar variation 735264 (VCV000735264.19), dbSNP rs376984096, ClinGen allele CA10254061.

ClinVar aggregate classification (germline): Likely benign. Review status: criteria provided, multiple submitters, no conflicts (2 of 4 stars). 3 submissions from 3 submitters: Likely benign (3). Last evaluated 2025-11-01.

Conditions:
EP300-related disorder. Also called: EP300-related disorders; EP300-related condition.
Rubinstein-Taybi syndrome due to EP300 haploinsufficiency. Also called: EP300-Related Rubinstein-Taybi Syndrome; RUBINSTEIN-TAYBI SYNDROME 2. Identifiers: Orphanet 353284, Orphanet 783, MedGen C3150941, MONDO:0013364, OMIM 613684.

Allele frequency attached by ClinVar (database versions not stated): gnomAD 0.00002 and 0.00003; gnomAD exomes 0.00002 and 0.00003; TOPMed 0.00003; ExAC 0.00005; ESP Exome Variant Server 0.00008.
gnomAD v4.1: 41 of 1,614,026 alleles (0.0025%); highest among the groups gnomAD compares: Middle Eastern, 0.016%; no homozygotes.

Submissions (3):

CeGaT Center for Human Genetics Tuebingen
Classification: Likely benign. Last evaluated: 2025-11-01. Review status: criteria provided, single submitter. Criteria: CeGaT Center For Human Genetics Tuebingen Variant Classification Criteria Version 2. Collection method: clinical testing. Allele origin: germline. Affected: yes. Observed: 1 variant allele.
Comment: EP300: BP4, BP7

PreventionGenetics, part of Exact Sciences
Classification: Likely benign for EP300-related condition. Last evaluated: 2025-03-03. Review status: criteria provided, single submitter. Criteria: ACMG Guidelines, 2015. Collection method: clinical testing. Allele origin: germline.
Comment: This variant is classified as likely benign based on ACMG/AMP sequence variant interpretation guidelines (Richards et al. 2015 PMID: 25741868, with internal and published modifications).

Labcorp Genetics (formerly Invitae), Labcorp
Classification: Likely benign for Rubinstein-Taybi syndrome due to EP300 haploinsufficiency. Last evaluated: 2024-12-02. Review status: criteria provided, single submitter. Criteria: Invitae Variant Classification Sherloc (09022015). Collection method: clinical testing. Allele origin: germline.